The following is an entry in ClinVar:

NM_004304.5(ALK):c.1456T>C (p.Phe486Leu)

Gene: ALK (ALK receptor tyrosine kinase; minus strand). Cytogenetic location: 2p23.2.
Variant type: single nucleotide variant.
Coding change: c.1456T>C on transcript NM_004304.5 (MANE Select); coding-DNA position 1456, T replaced by C.
Protein change: p.Phe486Leu; replaces phenylalanine 486 with leucine.
Molecular consequence: missense variant.
Genome position (GRCh38, 1-based): chr2:29,320,841, A>G on the plus strand (T>C on the coding strand, the complement: ALK is on the minus strand). VCF-style: chr2-29320841-A-G. GRCh37 (hg19) VCF-style: chr2-29543707-A-G.
Other names: short protein forms F486L.
Identifiers: ClinVar variation 1718683 (VCV001718683.9), dbSNP rs2148251034, ClinGen allele CA346472563.

ClinVar aggregate classification (germline): Uncertain significance. Review status: criteria provided, multiple submitters, no conflicts (2 of 4 stars). 2 submissions from 2 submitters: Uncertain significance (2). Last evaluated 2025-12-28.

Conditions:
Neuroblastoma, susceptibility to, 3. Also called: ALK-Related Neuroblastic Tumor Susceptibility. Identifiers: Orphanet 635, MedGen C2751681, MONDO:0013083, OMIM 613014.
Hereditary cancer-predisposing syndrome. Also called: Hereditary neoplastic syndrome; Tumor predisposition; Neoplastic Syndromes, Hereditary; Hereditary Cancer Syndrome. Identifiers: Orphanet 140162, MedGen C0027672, MeSH D009386, MONDO:0015356.

Allele frequency attached by ClinVar (database versions not stated): gnomAD exomes below 0.00001; gnomAD 0.00001.
gnomAD v4.1: 2 of 1,614,210 alleles (0.00012%); highest among the groups gnomAD compares: Middle Eastern, 0.017%; no homozygotes.

Submissions (2):

Labcorp Genetics (formerly Invitae), Labcorp
Classification: Uncertain significance for Neuroblastoma, susceptibility to, 3. Last evaluated: 2025-12-28. Review status: criteria provided, single submitter. Criteria: Invitae Variant Classification Sherloc (09022015). Collection method: clinical testing. Allele origin: germline.
Comment: This sequence change replaces phenylalanine, which is neutral and non-polar, with leucine, which is neutral and non-polar, at codon 486 of the ALK protein (p.Phe486Leu). This variant is not present in population databases (gnomAD no frequency). This variant has not been reported in the literature in individuals affected with ALK-related conditions. ClinVar contains an entry for this variant (Variation ID: 1718683). An algorithm developed to predict the effect of missense changes on protein structure and function outputs the following: PolyPhen-2: "Benign". The leucine amino acid residue is found in multiple mammalian species, which suggests that this missense change does not adversely affect protein function. In summary, the available evidence is currently insufficient to determine the role of this variant in disease. Therefore, it has been classified as a Variant of Uncertain Significance.

Ambry Genetics
Classification: Uncertain significance for Hereditary cancer-predisposing syndrome. Last evaluated: 2025-04-16. Review status: criteria provided, single submitter. Criteria: Ambry Variant Classification Scheme 2023. Collection method: clinical testing. Allele origin: germline.
Comment: The p.F486L variant (also known as c.1456T>C), located in coding exon 7 of the ALK gene, results from a T to C substitution at nucleotide position 1456. The phenylalanine at codon 486 is replaced by leucine, an amino acid with highly similar properties. This amino acid position is conserved. In addition, this alteration is predicted to be tolerated by in silico analysis. Since supporting evidence is limited at this time, the clinical significance of this alteration remains unclear.